The following is an entry in ClinVar:

NM_000152.5(GAA):c.1937_1942del (p.Val646_Cys647del)

Gene: GAA (alpha glucosidase; plus strand). Cytogenetic location: 17q25.3.
Variant type: Deletion.
Coding change: c.1937_1942del on transcript NM_000152.5 (MANE Select); coding-DNA positions 1937 to 1942, 6 bases deleted (TCTGCG; older notation c.1937_1942delTCTGCG).
Protein change: p.Val646_Cys647del.
Molecular consequence: inframe deletion.
Genome position (GRCh38, 1-based): chr17:80,112,924-80,112,929, TCTGCG deleted; deleting any 6 consecutive bases within chr17:80,112,922-80,112,929 gives the same sequence; the c. name uses the placement nearest the transcript's 3' end. VCF-style (leftmost placement, unchanged base first): chr17-80112921-ACGTCTG-A. GRCh37 (hg19) VCF-style: chr17-78086720-ACGTCTG-A.
Other names: c.1937_1942del, p.Val646_Cys647del (NM_001079803.3, NM_001079804.3, NM_001406741.1 and 1 more transcripts).
Identifiers: ClinVar variation 4876298 (VCV004876298.1).
Genomic context (GRCh38, chr17:80,112,921, plus strand): 5'-ACTCTGCCCTCCCAGAAATCCTGCAGTTTAACCTGCTGGGGGTGCCTCTGGTCGGGGCCG[ACGTCTG>A]CGGCTTCCTGGGCAACACCTCAGAGGAGCTGTGTGTGCGCTGGACCCAGCTGGGGGCCTT-3'

ClinVar aggregate classification (germline): Uncertain significance (1 of 4 stars; one submission).

Conditions:
Glycogen storage disease, type II (IOPD). Also called: Pompe Disease; CARDIOMEGALIA GLYCOGENICA DIFFUSA; GLYCOGENOSIS, GENERALIZED, CARDIAC FORM; GSD II; POMPE DISEASE, INFANTILE-ONSET; GLYCOGEN STORAGE DISEASE II, INFANTILE-ONSET. Identifiers: Orphanet 365, MedGen C0017921, MONDO:0009290, OMIM 232300.

Submission:

Genomenon, Inc
Classification: Uncertain significance for Glycogen storage disease, type II. Last evaluated: 2026-07-01. Review status: criteria provided, single submitter. Criteria: Genomenon Sequence Variant Interpretation Standards - Updated. Collection method: curation. Allele origin: germline. Affected: yes.
Comment: GAA p.Val646_Cys647del (c.1937_1942del) is an in-frame deletion that results in the loss of Valine at codon 646 and Cysteine at codon 647. This variant has been observed in at least one proband with a GAA-related disorder (PMID:34864681). It is absent or not present at a significant frequency in gnomAD. In conclusion, we classify GAA p.Val646_Cys647del (c.1937_1942del) as a variant of uncertain significance.

Literature cited by the submitters: PubMed 34864681.